The following is an entry in ClinVar:

ClinVar aggregate classification (germline): Uncertain significance. Review status: criteria provided, multiple submitters, no conflicts (2 of 4 stars). 3 submissions from 3 submitters: Uncertain significance (3). Last evaluated 2025-03-22.

Conditions:
Inborn genetic diseases. Identifiers: MedGen C0950123, MeSH D030342.

Allele frequency attached by ClinVar (database versions not stated): TOPMed below 0.00001; gnomAD exomes 0.00001; gnomAD 0.00003 and 0.00004.
gnomAD v4.1: 11 of 1,613,180 alleles (0.00068%); highest among the groups gnomAD compares: African/African-American, 0.0053%; no homozygotes.

Submissions (3):

Ambry Genetics
Classification: Uncertain significance for Inborn genetic diseases. Last evaluated: 2025-03-22. Review status: criteria provided, single submitter. Criteria: Ambry Variant Classification Scheme 2023. Collection method: clinical testing. Allele origin: germline.

Labcorp Genetics (formerly Invitae), Labcorp
Classification: Uncertain significance. Last evaluated: 2022-03-27. Review status: criteria provided, single submitter. Criteria: Invitae Variant Classification Sherloc (09022015). Collection method: clinical testing. Allele origin: germline.
Comment: This sequence change replaces aspartic acid, which is acidic and polar, with asparagine, which is neutral and polar, at codon 249 of the IMPDH1 protein (p.Asp249Asn). In summary, the available evidence is currently insufficient to determine the role of this variant in disease. Therefore, it has been classified as a Variant of Uncertain Significance. Algorithms developed to predict the effect of missense changes on protein structure and function are either unavailable or do not agree on the potential impact of this missense change (SIFT: "Deleterious"; PolyPhen-2: "Benign"; Align-GVGD: "Class C0"). ClinVar contains an entry for this variant (Variation ID: 1202822). This variant has not been reported in the literature in individuals affected with IMPDH1-related conditions. This variant is present in population databases (no rsID available, gnomAD 0.01%).

GeneDx
Classification: Uncertain significance. Last evaluated: 2020-06-02. Review status: criteria provided, single submitter. Criteria: GeneDx Variant Classification Process June 2021. Collection method: clinical testing. Allele origin: germline. Affected: yes.
Comment: In silico analysis supports that this missense variant has a deleterious effect on protein structure/function; Has not been previously published as pathogenic or benign to our knowledge

NM_000883.4(IMPDH1):c.745G>A (p.Asp249Asn)

Gene: IMPDH1 (inosine monophosphate dehydrogenase 1; minus strand). Cytogenetic location: 7q32.1.
Variant type: single nucleotide variant.
Coding change: c.745G>A on transcript NM_000883.4 (MANE Select); coding-DNA position 745, G replaced by A.
Protein change: p.Asp249Asn; replaces aspartic acid 249 with asparagine.
Molecular consequence: missense variant.
Genome position (GRCh38, 1-based): chr7:128,400,374, C>T on the plus strand (G>A on the coding strand, the complement: IMPDH1 is on the minus strand). VCF-style: chr7-128400374-C-T. GRCh37 (hg19) VCF-style: chr7-128040428-C-T.
Other names: c.715G>A, p.Asp239Asn (NM_001102605.2); c.490G>A, p.Asp164Asn (NM_001142573.2); c.475G>A, p.Asp159Asn (NM_001142574.2); c.415G>A, p.Asp139Asn (NM_001142575.2); c.646G>A, p.Asp216Asn (NM_001142576.2); c.538G>A, p.Asp180Asn (NM_001304521.2); c.637G>A, p.Asp213Asn (NM_183243.3); short protein forms D139N, D159N, D164N, D180N, D213N, D216N, D239N, D249N.
Identifiers: ClinVar variation 1202822 (VCV001202822.9), dbSNP rs767447708, ClinGen allele CA369173074.